The following is an entry in ClinVar:

NM_003907.3(EIF2B5):c.947G>A (p.Arg316Gln)

Gene: EIF2B5 (eukaryotic translation initiation factor 2B subunit epsilon; plus strand). Cytogenetic location: 3q27.1.
Variant type: single nucleotide variant.
Coding change: c.947G>A on transcript NM_003907.3 (MANE Select); coding-DNA position 947, G replaced by A.
Protein change: p.Arg316Gln; replaces arginine 316 with glutamine.
Molecular consequence: missense variant.
Genome position (GRCh38, 1-based): chr3:184,140,521, G>A. VCF-style: chr3-184140521-G-A. GRCh37 (hg19) VCF-style: chr3-183858309-G-A.
Other names: short protein forms R316Q.
Identifiers: ClinVar variation 4815286 (VCV004815286.3).

ClinVar aggregate classification (germline): Likely pathogenic. Review status: criteria provided, multiple submitters, no conflicts (2 of 4 stars). 2 submissions from 2 submitters: Likely pathogenic (2). Last evaluated 2024-12-30.

Conditions:
Vanishing white matter disease. Also called: CACH syndrome; Childhood ataxia with diffuse central nervous system hypomyelination; Leukoencephalopathy with vanishing white matter; CACH/VWM syndrome; Cree leukoencehalopathy. Identifiers: Orphanet 135, Orphanet 99853, MedGen C1858991, MONDO:0800448.
EIF2B5-related disorders.

gnomAD v4.1: 7 of 1,613,994 alleles (0.00043%); highest among the groups gnomAD compares: South Asian, 0.0011%; no homozygotes.

Submissions (2):

Natera, Inc.
Classification: Likely pathogenic for Leukoencephalopathy with vanishing white matter. Last evaluated: 2024-12-30. Review status: criteria provided, single submitter. Criteria: Natera Variant Classification Schema (03/2026). Collection method: clinical testing. Allele origin: germline.
Comment: The c.947G>A variant in EIF2B5 is a missense variant predicted to cause substitution of arginine to glutamine at amino acid 316. This variant is rare in the general population with a frequency below the threshold expected for the associated phenotype(s). This variant has been observed in one or more individuals affected with the associated recessive disease, as either homozygous or compound heterozygous with a second variant (PMID: 23335982, 25761052). This variant has been identified in one or more affected individuals with a phenotype highly consistent with the associated gene (PMID: 23335982). Computational prediction algorithms indicate this variant is likely to affect gene or protein function. Given the available evidence, this variant is classified as Likely Pathogenic.

Blueprint Genetics
Classification: Likely pathogenic for EIF2B5-related disorders. Last evaluated: 2023-11-13. Review status: criteria provided, single submitter. Criteria: ACMG Guidelines, 2015. Collection method: clinical testing. Allele origin: germline. Affected: yes. Observed: 3 variant alleles.

Literature cited by the submitters: PubMed 23335982 (cited by Natera, Inc.); PubMed 25761052 (cited by Natera, Inc.).